The following is an entry in ClinVar:

ClinVar aggregate classification (germline): Likely benign (1 of 4 stars; one submission).

gnomAD v4.1: 1 of 1,613,750 alleles (0.000062%); highest among the groups gnomAD compares: African/African-American, 0.0013%; no homozygotes.

Submission:

GeneDx
Classification: Likely benign. Last evaluated: 2013-10-21. Review status: criteria provided, single submitter. Criteria: GeneDx Variant Classification (06012015). Collection method: clinical testing. Allele origin: germline. Affected: yes.
Comment: This variant is considered likely benign or benign based on one or more of the following criteria: it is a conservative change, it occurs at a poorly conserved position in the protein, it is predicted to be benign by multiple in silico algorithms, and/or has population frequency not consistent with disease.

NM_020320.5(RARS2):c.155A>G (p.Lys52Arg)

Gene: RARS2 (arginyl-tRNA synthetase 2, mitochondrial; minus strand). Cytogenetic location: 6q15.
Variant type: single nucleotide variant.
Coding change: c.155A>G on transcript NM_020320.5 (MANE Select); coding-DNA position 155, A replaced by G.
Protein change: p.Lys52Arg; replaces lysine 52 with arginine.
Molecular consequence: missense variant. On other transcripts: 5 prime UTR variant (7), non-coding transcript variant (23).
Genome position (GRCh38, 1-based): chr6:87,564,188, T>C on the plus strand (A>G on the coding strand, the complement: RARS2 is on the minus strand). VCF-style: chr6-87564188-T-C. GRCh37 (hg19) VCF-style: chr6-88273906-T-C.
Other names: p.K52R:AAA>AGA; c.-315A>G (NM_001318785.2, NM_001350509.2); c.155A>G, p.Lys52Arg (NM_001350505.2); c.-371A>G (NM_001350506.2, NM_001350507.2, NM_001350510.2 and 1 more transcripts); c.-533A>G (NM_001350508.2); short protein forms K52R.
Identifiers: ClinVar variation 215049 (VCV000215049.1), dbSNP rs73496064, ClinGen allele CA324106.
Genomic context (GRCh38, chr6:87,564,188, plus strand): 5'-ACCTTCTCTGCTAGTCTCTTGGCTTGAACTTGAATATCTGGTCTTGAATGGTCATTGTCT[T>C]TTTCCAATAAAGAATCCACAGAAAGCTGAAAATCAGCTACTTCTCTAAAGACAGACATCG-3'
Protein context (NP_064716.2, residues 42-62): FQLSVDSLLE[Lys52Arg]DNDHSRPDIQ